The following is an entry in ClinVar:

ClinVar aggregate classification (germline): Pathogenic (1 of 4 stars; one submission).

Submission:

Labcorp Genetics (formerly Invitae), Labcorp
Classification: Pathogenic. Last evaluated: 2024-10-17. Review status: criteria provided, single submitter. Criteria: Invitae Variant Classification Sherloc (09022015). Collection method: clinical testing. Allele origin: germline.
Comment: This sequence change creates a premature translational stop signal (p.Tyr79*) in the EFNB1 gene. It is expected to result in an absent or disrupted protein product. Loss-of-function variants in EFNB1 are known to be pathogenic (PMID: 15959873, 16685650). This variant is not present in population databases (gnomAD no frequency). This variant has not been reported in the literature in individuals affected with EFNB1-related conditions. ClinVar contains an entry for this variant (Variation ID: 2033013). For these reasons, this variant has been classified as Pathogenic.

Literature cited by the submitters: PubMed 15959873; PubMed 16685650.

NM_004429.5(EFNB1):c.237C>G (p.Tyr79Ter)

Gene: EFNB1 (ephrin B1; plus strand). Cytogenetic location: Xq13.1.
Variant type: single nucleotide variant.
Coding change: c.237C>G on transcript NM_004429.5 (MANE Select); coding-DNA position 237, C replaced by G.
Protein change: p.Tyr79Ter; replaces tyrosine 79 with a stop codon.
Molecular consequence: nonsense.
Genome position (GRCh38, 1-based): chrX:68,838,725, C>G. VCF-style: chrX-68838725-C-G. GRCh37 (hg19) VCF-style: chrX-68058568-C-G.
Other names: short protein forms Y79*.
Identifiers: ClinVar variation 2033013 (VCV002033013.4), dbSNP rs750035783, ClinGen allele CA413437489.